The following is an entry in ClinVar:

NM_020921.4(NIN):c.572G>A (p.Cys191Tyr)

Gene: NIN (ninein; minus strand). Cytogenetic location: 14q22.1.
Variant type: single nucleotide variant.
Coding change: c.572G>A on transcript NM_020921.4 (MANE Select); coding-DNA position 572, G replaced by A.
Protein change: p.Cys191Tyr; replaces cysteine 191 with tyrosine.
Molecular consequence: missense variant.
Genome position (GRCh38, 1-based): chr14:50,777,043, C>T on the plus strand (G>A on the coding strand, the complement: NIN is on the minus strand). VCF-style: chr14-50777043-C-T. GRCh37 (hg19) VCF-style: chr14-51243761-C-T.
Other names: c.572G>A, p.Cys191Tyr (NM_016350.5, NM_182944.3, NM_182946.2); short protein forms C191Y.
Identifiers: ClinVar variation 3719492 (VCV003719492.2).

ClinVar aggregate classification (germline): Uncertain significance (1 of 4 stars; one submission).

gnomAD v4.1: 28 of 1,614,250 alleles (0.0017%); highest among the groups gnomAD compares: Non-Finnish European, 0.0023%; no homozygotes.

Submission:

Labcorp Genetics (formerly Invitae), Labcorp
Classification: Uncertain significance. Last evaluated: 2024-05-13. Review status: criteria provided, single submitter. Criteria: Invitae Variant Classification Sherloc (09022015). Collection method: clinical testing. Allele origin: germline.
Comment: This sequence change replaces cysteine, which is neutral and slightly polar, with tyrosine, which is neutral and polar, at codon 191 of the NIN protein (p.Cys191Tyr). This variant is not present in population databases (gnomAD no frequency). This variant has not been reported in the literature in individuals affected with NIN-related conditions. An algorithm developed to predict the effect of missense changes on protein structure and function (PolyPhen-2) suggests that this variant is likely to be disruptive. In summary, the available evidence is currently insufficient to determine the role of this variant in disease. Therefore, it has been classified as a Variant of Uncertain Significance.